The following is an entry in ClinVar:

ClinVar aggregate classification (germline): Pathogenic (1 of 4 stars; one submission).

Conditions:
Hereditary cancer-predisposing syndrome. Also called: Hereditary Cancer Syndrome; Neoplastic Syndromes, Hereditary; Tumor predisposition; Hereditary neoplastic syndrome. Identifiers: Orphanet 140162, MedGen C0027672, MeSH D009386, MONDO:0015356.

Submission:

Ambry Genetics
Classification: Pathogenic for Hereditary cancer-predisposing syndrome. Last evaluated: 2020-01-24. Review status: criteria provided, single submitter. Criteria: Ambry Variant Classification Scheme 2023. Collection method: clinical testing. Allele origin: germline.
Comment: The c.4972delA pathogenic mutation, located in coding exon 22 of the DICER1 gene, results from a deletion of one nucleotide at nucleotide position 4972, causing a translational frameshift with a predicted alternate stop codon (p.T1658Hfs*2). This alteration is expected to result in loss of function by premature protein truncation or nonsense-mediated mRNA decay. As such, this alteration is interpreted as a disease-causing mutation.

NM_177438.3(DICER1):c.4972del (p.Thr1658fs)

Gene: DICER1 (dicer 1, ribonuclease III; minus strand). Cytogenetic location: 14q32.13.
Variant type: Deletion.
Coding change: c.4972del on transcript NM_177438.3 (MANE Select); coding-DNA position 4972, one base deleted (A; older notation c.4972delA).
Protein change: p.Thr1658fs; shifts the reading frame from threonine 1658.
Molecular consequence: frameshift variant. On other transcripts: non-coding transcript variant (6).
Genome position (GRCh38, 1-based): chr14:95,095,948, T deleted on the plus strand (A on the coding strand, the reverse complement: DICER1 is on the minus strand); the first of 4 consecutive T bases (chr14:95,095,948-95,095,951); deleting any one gives the same sequence. VCF-style (leftmost placement, unchanged base first): chr14-95095947-GT-G. GRCh37 (hg19) VCF-style: chr14-95562284-GT-G.
Other names: c.4972del, p.Thr1658fs (NM_001195573.1, NM_001271282.3, NM_001291628.2 and 12 more transcripts); c.4969delA, p.Thr1658Hisfs (NM_001395681.1); c.4690del, p.Thr1564fs (NM_001395686.1); c.4567del, p.Thr1523fs (NM_001395687.1, NM_001395688.1, NM_001395689.1 and 2 more transcripts); c.4405del, p.Thr1469fs (NM_001395691.1); c.3289del, p.Thr1097fs (NM_001395697.1); c.4972delA (NM_177438.2); short protein forms T1564fs, T1658fs, T1097fs, T1469fs, T1523fs.
Identifiers: ClinVar variation 1744474 (VCV001744474.2), dbSNP rs2542478972, ClinGen allele CA2580088952.